The following is an entry in ClinVar:

ClinVar aggregate classification (germline): Benign. Review status: criteria provided, single submitter (1 of 4 stars). 2 submissions from 2 submitters: Benign (1). 1 of the submissions does not count toward it. Last evaluated 2018-06-27.

Conditions:
TJP1-related disorder. Also called: TJP1-related condition.

Allele frequency attached by ClinVar (database versions not stated): gnomAD 0.00095; ExAC 0.00136; TOPMed 0.00149; 1000 Genomes Project 30x 0.00156; 1000 Genomes Project 0.00160; gnomAD exomes 0.00178.
gnomAD v4.1: 737 of 1,614,096 alleles (0.046%); highest among the groups gnomAD compares: Admixed American, 1.1%; 7 homozygotes.

Submissions (2):

Labcorp Genetics (formerly Invitae), Labcorp
Classification: Benign. Last evaluated: 2018-06-27. Review status: criteria provided, single submitter. Criteria: Invitae Variant Classification Sherloc (09022015). Collection method: clinical testing. Allele origin: germline.

PreventionGenetics, part of Exact Sciences
Classification: Benign for TJP1-related condition. Last evaluated: 2019-09-23. Review status: no assertion criteria provided. Collection method: clinical testing. Allele origin: germline. Not counted in ClinVar's aggregate classification.
Comment: This variant is classified as benign based on ACMG/AMP sequence variant interpretation guidelines (Richards et al. 2015 PMID: 25741868, with internal and published modifications).

NM_001330239.4(TJP1):c.3215G>A (p.Arg1072Gln)

Genes: TJP1 (tight junction protein 1; minus strand), LOC126862085 (P300/CBP strongly-dependent group 1 enhancer GRCh37_chr15:30010173-30011372; plus strand). Cytogenetic location: 15q13.1.
Variant type: single nucleotide variant.
Coding change: c.3215G>A on transcript NM_001330239.4 (MANE Select); coding-DNA position 3215, G replaced by A.
Protein change: p.Arg1072Gln; replaces arginine 1072 with glutamine.
Molecular consequence: missense variant.
Genome position (GRCh38, 1-based): chr15:29,718,927, C>T on the plus strand (G>A on the coding strand, the complement: TJP1 is on the minus strand). VCF-style: chr15-29718927-C-T. GRCh37 (hg19) VCF-style: chr15-30011131-C-T.
Other names: c.3494G>A, p.Arg1165Gln (NM_001301025.3, NM_001355012.2); c.2987G>A, p.Arg996Gln (NM_001301026.2); c.3227G>A, p.Arg1076Gln (NM_001355013.1); c.3215G>A, p.Arg1072Gln (NM_001355014.2, NM_003257.5); c.2975G>A, p.Arg992Gln (NM_001355015.2, NM_175610.4); c.3494G>A (NM_001355012.1); short protein forms R1072Q, R1076Q, R996Q, R1165Q, R992Q.
Identifiers: ClinVar variation 784613 (VCV000784613.5), dbSNP rs180850389, ClinGen allele CA7446831.